The following is an entry in ClinVar:

NM_005422.4(TECTA):c.4646T>C (p.Ile1549Thr)

Genes: TBCEL-TECTA (TBCEL-TECTA readthrough; plus strand), TECTA (tectorin alpha; plus strand). Cytogenetic location: 11q23.3.
Variant type: single nucleotide variant.
Coding change: c.4646T>C on transcript NM_005422.4 (MANE Select); coding-DNA position 4646, T replaced by C.
Protein change: p.Ile1549Thr; replaces isoleucine 1549 with threonine.
Molecular consequence: missense variant.
Genome position (GRCh38, 1-based): chr11:121,158,181, T>C. VCF-style: chr11-121158181-T-C. GRCh37 (hg19) VCF-style: chr11-121028890-T-C.
Other names: c.5603T>C, p.Ile1868Thr (NM_001378761.1); short protein forms I1549T, I1868T.
Identifiers: ClinVar variation 2744113 (VCV002744113.3), dbSNP rs2496974190, ClinGen allele CA383027911.
Genomic context (GRCh38, chr11:121,158,181, plus strand): 5'-TCAACTTCGACAAGTGGTCGGCCCCCAACCTCACCATCATTTCGCCCGTCTACTTCTACA[T>C]TAACGAAGAGCAGATTCTCATCAACGACCGGAACACGGTCAAGGTAACCAGCCTGGCGGC-3'
Protein context (NP_005413.2, residues 1539-1559): LTIISPVYFY[Ile1549Thr]NEEQILINDR

ClinVar aggregate classification (germline): Uncertain significance (1 of 4 stars; one submission).

Submission:

Labcorp Genetics (formerly Invitae), Labcorp
Classification: Uncertain significance. Last evaluated: 2023-07-17. Review status: criteria provided, single submitter. Criteria: Invitae Variant Classification Sherloc (09022015). Collection method: clinical testing. Allele origin: germline.
Comment: This sequence change replaces isoleucine, which is neutral and non-polar, with threonine, which is neutral and polar, at codon 1549 of the TECTA protein (p.Ile1549Thr). In summary, the available evidence is currently insufficient to determine the role of this variant in disease. Therefore, it has been classified as a Variant of Uncertain Significance. Advanced modeling of protein sequence and biophysical properties (such as structural, functional, and spatial information, amino acid conservation, physicochemical variation, residue mobility, and thermodynamic stability) performed at Invitae indicates that this missense variant is not expected to disrupt TECTA protein function. This variant has not been reported in the literature in individuals affected with TECTA-related conditions. This variant is not present in population databases (gnomAD no frequency).